The following is an entry in ClinVar:

ClinVar aggregate classification (germline): Uncertain significance (1 of 4 stars; one submission).

gnomAD v4.1: 1 of 1,612,288 alleles (0.000062%); highest among the groups gnomAD compares: Non-Finnish European, 0.000085%; no homozygotes.

Submission:

Labcorp Genetics (formerly Invitae), Labcorp
Classification: Uncertain significance. Last evaluated: 2021-01-18. Review status: criteria provided, single submitter. Criteria: Invitae Variant Classification Sherloc (09022015). Collection method: clinical testing. Allele origin: germline.
Comment: This variant has not been reported in the literature in individuals with KCNQ5-related conditions. Advanced modeling of protein sequence and biophysical properties (such as structural, functional, and spatial information, amino acid conservation, physicochemical variation, residue mobility, and thermodynamic stability) performed at Invitae indicates that this missense variant is not expected to disrupt KCNQ5 protein function. In summary, the available evidence is currently insufficient to determine the role of this variant in disease. Therefore, it has been classified as a Variant of Uncertain Significance. This variant is not present in population databases (ExAC no frequency). This sequence change replaces arginine with tryptophan at codon 432 of the KCNQ5 protein (p.Arg432Trp). The arginine residue is weakly conserved and there is a moderate physicochemical difference between arginine and tryptophan.

NM_019842.4(KCNQ5):c.1248-3582C>T

Gene: KCNQ5 (potassium voltage-gated channel subfamily Q member 5; plus strand). Cytogenetic location: 6q13.
Variant type: single nucleotide variant.
Coding change: c.1248-3582C>T on transcript NM_019842.4 (MANE Select); 3582 bases into the intron before coding-DNA position 1248, C replaced by T.
Molecular consequence: intron variant. On other transcripts: missense variant (2).
Genome position (GRCh38, 1-based): chr6:73,129,839, C>T. VCF-style: chr6-73129839-C-T. GRCh37 (hg19) VCF-style: chr6-73839562-C-T.
Other names: c.1267C>T, p.Arg423Trp (NM_001160132.2); c.1294C>T, p.Arg432Trp (NM_001160133.2); c.1247+5327C>T (NM_001160134.2); c.1221-3582C>T (NM_001160130.2); short protein forms R423W, R432W.
Identifiers: ClinVar variation 1503517 (VCV001503517.8), dbSNP rs1276841776, ClinGen allele CA364827675.